The following is an entry in ClinVar:

NC_000001.11:g.47412778A>C

Gene: LINC01389 (long independently transcribed non-coding RNA 1389; minus strand). Cytogenetic location: 1p33.
Variant type: single nucleotide variant.
Genome position: GRCh38 VCF-style: chr1-47412778-A-C. GRCh37 (hg19) VCF-style: chr1-47878450-A-C.
Identifiers: ClinVar variation 4884338 (VCV004884338.1).
Genomic context (GRCh38, chr1:47,412,778, plus strand): 5'-CACTGGCCATCTTATGCCCGGATGCTCAGCCGCATCACGTCCGGCCCAGGGCCTGTGAAA[A>C]GAGGGCCCAGCCACGCTGAAAACACGGATTAGCCCTTGGGCCGCCCCCTGACACTGGCCT-3'

ClinVar aggregate classification (germline): Uncertain significance (1 of 4 stars; one submission).

Conditions:
Cataract 34 multiple types. Also called: CATARACT 34, MULTIPLE TYPES, WITH OR WITHOUT MICROCORNEA. Identifiers: Orphanet 91492, MedGen C2751822, MONDO:0013067, OMIM 612968.

Submission:

Molecular Medicine, University of Pavia
Classification: Uncertain significance for Cataract 34 multiple types. Last evaluated: 2026-08-08. Review status: criteria provided, single submitter. Criteria: ACMG Guidelines, 2015. Collection method: research. Allele origin: maternal. Inheritance: Autosomal recessive inheritance. Affected: yes. Observed: 1 variant allele, 1 heterozygote.
Comment: The chr1:47412778 A>G is a non-coding variant located in LINC01389 (a long non-coding RNA) and it affects a regulatory region upstream the FOXE3 gene. The chr1:47412778 A>G is absent from GnomAD 4.1.0 database and it has not been previously reported neither in ClinVar nor in literature. In summary, this variant meets criteria to be classified as VUS based on the ACMG/AMP criteria applied: PM2_mod, PP3_supp